The following is an entry in ClinVar:

NM_022124.6(CDH23):c.4555G>C (p.Asp1519His)

Gene: CDH23 (cadherin related 23; plus strand). Cytogenetic location: 10q22.1.
Variant type: single nucleotide variant.
Coding change: c.4555G>C on transcript NM_022124.6 (MANE Select); coding-DNA position 4555, G replaced by C.
Protein change: p.Asp1519His; replaces aspartic acid 1519 with histidine.
Molecular consequence: missense variant.
Genome position (GRCh38, 1-based): chr10:71,740,888, G>C. VCF-style: chr10-71740888-G-C. GRCh37 (hg19) VCF-style: chr10-73500645-G-C.
Other names: short protein forms D1519H.
Identifiers: ClinVar variation 45950 (VCV000045950.4), dbSNP rs397517330, ClinGen allele CA137435.
Genomic context (GRCh38, chr10:71,740,888, plus strand): 5'-GCTTCTGACCGAGGCACCCCTCCACGGAAGAAGGACCACATCCTGCAGGTGACCATCCTG[G>C]ACATCAATGACAACCCTCCAGTCATCGAGAGCCCCTTTGGATACAATGTCAGTGTGAATG-3'
Protein context (NP_071407.4, residues 1509-1529): KDHILQVTIL[Asp1519His]INDNPPVIES

ClinVar aggregate classification (germline): Uncertain significance (1 of 4 stars; one submission).

Submission:

Laboratory for Molecular Medicine, Mass General Brigham Personalized Medicine
Classification: Uncertain significance. Last evaluated: 2011-01-10. Review status: criteria provided, single submitter. Criteria: LMM Criteria. Collection method: clinical testing. Allele origin: germline. Observed: 1 variant allele.
Comment: The Asp1519His variant in CDH23 has not been reported in the literature nor prev iously identified by our laboratory. This residue is conserved across species an d computational analyses (PolyPhen2, SIFT) suggest that the Asp1519His variant m ay impact the protein. However, this information is not predictive enough to ass ume pathogenicity. In summary, the clinical significance of this variant cannot be determined with certainty at this time.